The following is an entry in ClinVar:

ClinVar aggregate classification (germline): Benign (1 of 4 stars; one submission).

Conditions:
Juvenile polyposis/hereditary hemorrhagic telangiectasia syndrome (JPHT). Also called: JP/HHT SYNDROME; JUVENILE POLYPOSIS WITH HEREDITARY HEMORRHAGIC TELANGIECTASIA; POLYPOSIS, GENERALIZED JUVENILE, WITH PULMONARY ARTERIOVENOUS MALFORMATION; TELANGIECTASIA, HEREDITARY HEMORRHAGIC, WITH JUVENILE POLYPOSIS COLI; Juvenile Polyposis Syndrome / Hereditary Hemorrhagic Telangiectasia (JPS/HHT). Identifiers: Orphanet 2929, MedGen C1832942, MONDO:0008278, OMIM 175050.

Submission:

Myriad Genetics, Inc.
Classification: Benign for Juvenile polyposis/hereditary hemorrhagic telangiectasia syndrome. Last evaluated: 2025-03-19. Review status: criteria provided, single submitter. Criteria: Myriad Autosomal Dominant, Autosomal Recessive and X-Linked Classification Criteria (2023). Collection method: clinical testing. Allele origin: unknown.
Comment: This variant is considered benign. This variant is a silent/synonymous amino acid change and it is not expected to impact splicing.

NM_005359.6(SMAD4):c.540A>G (p.Gln180=)

Gene: SMAD4 (SMAD family member 4; plus strand). Cytogenetic location: 18q21.2.
Variant type: single nucleotide variant.
Coding change: c.540A>G on transcript NM_005359.6 (MANE Select); coding-DNA position 540, A replaced by G.
Protein change: p.Gln180=; no amino-acid change (glutamine 180 retained).
Molecular consequence: synonymous variant. On other transcripts: non-coding transcript variant (2).
Genome position (GRCh38, 1-based): chr18:51,054,866, A>G. VCF-style: chr18-51054866-A-G. GRCh37 (hg19) VCF-style: chr18-48581236-A-G.
Other names: c.540A>G, p.Gln180= (NM_001407041.1, NM_001407042.1, NM_001407043.1).
Identifiers: ClinVar variation 3903673 (VCV003903673.1).